The following is an entry in ClinVar:

ClinVar aggregate classification (germline): Conflicting classifications of pathogenicity. Review status: criteria provided, conflicting classifications (1 of 4 stars). 3 submissions from 2 submitters: Uncertain significance (2); Likely benign (1). Last evaluated 2023-08-15.

Conditions:
Congenital multicore myopathy with external ophthalmoplegia (CMYO1B). Also called: MULTICORE MYOPATHY; Minicore myopathy with external ophthalmoplegia; Congenital myopathy 1B, autosomal recessive; Minicore myopathy; MULTIMINICORE DISEASE WITH EXTERNAL OPHTHALMOPLEGIA. Identifiers: Orphanet 598, Orphanet 98905, MedGen C1850674, MONDO:0009712, OMIM 255320, HP:0003789.
Malignant hyperthermia, susceptibility to, 1 (MHS1). Also called: Anesthesia related hyperthermia; Malignant hyperpyrexia; Fulminating hyperpyrexia; Pharmacogenic myopathy; RYR1-Related Malignant Hyperthermia Susceptibility; Malignant hyperthermia suceptibility 1. Identifiers: Orphanet 423, MedGen C2930980, MONDO:0007783, OMIM 145600.

Allele frequency attached by ClinVar (database versions not stated): gnomAD exomes below 0.00001; TOPMed below 0.00001; ExAC 0.00001; gnomAD 0.00001.
gnomAD v4.1: 6 of 1,614,092 alleles (0.00037%); highest among the groups gnomAD compares: African/African-American, 0.0013%; no homozygotes.

Submissions (3):

All of Us Research Program, National Institutes of Health
Classification: Likely benign for Malignant hyperthermia, susceptibility to, 1. Last evaluated: 2023-08-15. Review status: criteria provided, single submitter. Criteria: ACMG Guidelines, 2015. Collection method: clinical testing. Allele origin: germline. Inheritance: Autosomal dominant inheritance. Observed: 6 variant alleles, 6 heterozygotes.
Comment: This study involves interpretation of variants in research participants for the purpose of population health screening. Participant phenotype was not available at the time of variant classification. Additional details can be found in publication PMID: 35346344, PMCID: PMC8962531

Illumina Laboratory Services, Illumina
Classification: Uncertain significance for Malignant hyperthermia, susceptibility to, 1. Last evaluated: 2018-01-12. Review status: criteria provided, single submitter. Criteria: ICSL Variant Classification Criteria 13 December 2019. Collection method: clinical testing. Allele origin: germline.

Illumina Laboratory Services, Illumina
Classification: Uncertain significance for Congenital multicore myopathy with external ophthalmoplegia. Last evaluated: 2018-01-12. Review status: criteria provided, single submitter. Criteria: ICSL Variant Classification Criteria 13 December 2019. Collection method: clinical testing. Allele origin: germline.

NM_000540.3(RYR1):c.12219T>A (p.Ser4073=)

Gene: RYR1 (ryanodine receptor 1; plus strand). Cytogenetic location: 19q13.2.
Variant type: single nucleotide variant.
Coding change: c.12219T>A on transcript NM_000540.3 (MANE Select); coding-DNA position 12219, T replaced by A.
Protein change: p.Ser4073=; no amino-acid change (serine 4073 retained).
Molecular consequence: synonymous variant.
Genome position (GRCh38, 1-based): chr19:38,548,357, T>A. VCF-style: chr19-38548357-T-A. GRCh37 (hg19) VCF-style: chr19-39038997-T-A.
Other names: c.12204T>A, p.Ser4068= (NM_001042723.2).
Identifiers: ClinVar variation 329114 (VCV000329114.7), dbSNP rs764395582, ClinGen allele CA058467.